The following is an entry in ClinVar:

ClinVar aggregate classification (germline): Uncertain significance (1 of 4 stars; one submission).

Conditions:
Familial cold autoinflammatory syndrome 2 (FCAS2). Identifiers: Orphanet 247868, MedGen C2673198, MONDO:0012724, OMIM 611762.

Submission:

Labcorp Genetics (formerly Invitae), Labcorp
Classification: Uncertain significance for Familial cold autoinflammatory syndrome 2. Last evaluated: 2025-11-24. Review status: criteria provided, single submitter. Criteria: Invitae Variant Classification Sherloc (09022015). Collection method: clinical testing. Allele origin: germline.
Comment: This sequence change falls in intron 8 of the NLRP12 gene. It does not directly change the encoded amino acid sequence of the NLRP12 protein. It affects a nucleotide within the consensus splice site. This variant is not present in population databases (gnomAD no frequency). This variant has not been reported in the literature in individuals affected with NLRP12-related conditions. Variants that disrupt the consensus splice site are a relatively common cause of aberrant splicing (PMID: 17576681, 9536098). Algorithms developed to predict the effect of sequence changes on RNA splicing suggest that this variant may disrupt the consensus splice site. In summary, the available evidence is currently insufficient to determine the role of this variant in disease. Therefore, it has been classified as a Variant of Uncertain Significance.

Literature cited by the submitters: PubMed 17576681; PubMed 9536098.

NM_144687.4(NLRP12):c.2928-3C>G

Gene: NLRP12 (NLR family pyrin domain containing 12; minus strand). Cytogenetic location: 19q13.42.
Variant type: single nucleotide variant.
Coding change: c.2928-3C>G on transcript NM_144687.4 (MANE Select); 3 bases into the intron before coding-DNA position 2928, C replaced by G.
Molecular consequence: intron variant.
Genome position (GRCh38, 1-based): chr19:53,796,032, G>C on the plus strand (C>G on the coding strand, the complement: NLRP12 is on the minus strand). VCF-style: chr19-53796032-G-C. GRCh37 (hg19) VCF-style: chr19-54299286-G-C.
Other names: c.2757-3C>G (NM_001277129.1); c.2931-3C>G (NM_001277126.2).
Identifiers: ClinVar variation 4730865 (VCV004730865.1).